The following is an entry in ClinVar:

ClinVar aggregate classification (germline): Uncertain significance. Review status: criteria provided, multiple submitters, no conflicts (2 of 4 stars). 3 submissions from 3 submitters: Uncertain significance (3). Last evaluated 2025-08-26.

Conditions:
Inborn genetic diseases. Identifiers: MedGen C0950123, MeSH D030342.

Allele frequency attached by ClinVar (database versions not stated): gnomAD exomes 0.00001; ExAC 0.00004; gnomAD 0.00011; TOPMed 0.00011; 1000 Genomes Project 0.00040; 1000 Genomes Project 30x 0.00047.
gnomAD v4.1: 27 of 1,607,156 alleles (0.0017%); highest among the groups gnomAD compares: African/African-American, 0.035%; no homozygotes.

Submissions (3):

Ambry Genetics
Classification: Uncertain significance for Inborn genetic diseases. Last evaluated: 2025-08-26. Review status: criteria provided, single submitter. Criteria: Ambry Variant Classification Scheme 2023. Collection method: clinical testing. Allele origin: germline.

Labcorp Genetics (formerly Invitae), Labcorp
Classification: Uncertain significance. Last evaluated: 2024-01-02. Review status: criteria provided, single submitter. Criteria: Invitae Variant Classification Sherloc (09022015). Collection method: clinical testing. Allele origin: germline.
Comment: This sequence change replaces serine, which is neutral and polar, with glycine, which is neutral and non-polar, at codon 8 of the ARL2BP protein (p.Ser8Gly). This variant is present in population databases (rs201043278, gnomAD 0.04%). This variant has not been reported in the literature in individuals affected with ARL2BP-related conditions. ClinVar contains an entry for this variant (Variation ID: 1420796). Experimental studies and prediction algorithms are not available or were not evaluated, and the functional significance of this variant is currently unknown. In summary, the available evidence is currently insufficient to determine the role of this variant in disease. Therefore, it has been classified as a Variant of Uncertain Significance.

Blueprint Genetics
Classification: Uncertain significance. Last evaluated: 2022-05-03. Review status: criteria provided, single submitter. Criteria: ACMG Guidelines, 2015. Collection method: clinical testing. Allele origin: germline.

NM_012106.4(ARL2BP):c.22A>G (p.Ser8Gly)

Gene: ARL2BP (ARF like GTPase 2 binding protein; plus strand). Cytogenetic location: 16q13.
Variant type: single nucleotide variant.
Coding change: c.22A>G on transcript NM_012106.4 (MANE Select); coding-DNA position 22, A replaced by G.
Protein change: p.Ser8Gly; replaces serine 8 with glycine.
Molecular consequence: missense variant.
Genome position (GRCh38, 1-based): chr16:57,245,389, A>G. VCF-style: chr16-57245389-A-G. GRCh37 (hg19) VCF-style: chr16-57279301-A-G.
Other names: c.22A>G (NM_012106.3); short protein forms S8G.
Identifiers: ClinVar variation 1420796 (VCV001420796.8), dbSNP rs201043278, ClinGen allele CA8074821.